The following is an entry in ClinVar:

NM_003384.3(VRK1):c.483+1G>A

Gene: VRK1 (VRK serine/threonine kinase 1; plus strand). Cytogenetic location: 14q32.2.
Variant type: single nucleotide variant.
Coding change: c.483+1G>A on transcript NM_003384.3 (MANE Select); the canonical splice donor site of the intron after coding-DNA position 483, G replaced by A.
Molecular consequence: splice donor variant.
Genome position (GRCh38, 1-based): chr14:96,852,940, G>A. VCF-style: chr14-96852940-G-A. GRCh37 (hg19) VCF-style: chr14-97319277-G-A.
Other names: c.483+1G>A (NM_001411051.1, NM_001411053.1, NM_003384.2).
Identifiers: ClinVar variation 2858473 (VCV002858473.4), dbSNP rs2504184408, ClinGen allele CA390930452.

ClinVar aggregate classification (germline): Likely pathogenic. Review status: criteria provided, multiple submitters, no conflicts (2 of 4 stars). 2 submissions from 2 submitters: Likely pathogenic (2). Last evaluated 2024-07-01.

Conditions:
Pontocerebellar hypoplasia type 1A (PCH1A). Also called: PONTOCEREBELLAR HYPOPLASIA WITH ANTERIOR HORN CELL DISEASE; PONTOCEREBELLAR HYPOPLASIA WITH INFANTILE SPINAL MUSCULAR ATROPHY. Identifiers: Orphanet 2254, Orphanet 88616, MedGen C1843504, MONDO:0011866, OMIM 607596.

Submissions (2):

Natera, Inc.
Classification: Likely pathogenic for Pontocerebellar hypoplasia, type 1a. Last evaluated: 2024-07-01. Review status: criteria provided, single submitter. Criteria: Natera Variant Classification Schema (03/2026). Collection method: clinical testing. Allele origin: germline.
Comment: The c.483+1G>A variant in VRK1 is a canonical splice donor site variant predicted to affect pre-mRNA splicing, which may result in an abnormal transcript and altered protein product. This variant is expected to result in nonsense mediated decay, truncation, or a dysfunctional protein product. This variant is rare in the general population with a frequency below the threshold expected for the associated phenotype(s). Given the available evidence, this variant is classified as Likely Pathogenic.

Labcorp Genetics (formerly Invitae), Labcorp
Classification: Likely pathogenic for Pontocerebellar hypoplasia type 1A. Last evaluated: 2023-04-22. Review status: criteria provided, single submitter. Criteria: Invitae Variant Classification Sherloc (09022015). Collection method: clinical testing. Allele origin: germline.
Comment: This variant is not present in population databases (gnomAD no frequency). This sequence change affects a donor splice site in intron 6 of the VRK1 gene. It is expected to disrupt RNA splicing. Variants that disrupt the donor or acceptor splice site typically lead to a loss of protein function (PMID: 16199547), and loss-of-function variants in VRK1 are known to be pathogenic (PMID: 19646678, 24126608, 27281532). This variant has not been reported in the literature in individuals affected with VRK1-related conditions. In summary, the currently available evidence indicates that the variant is pathogenic, but additional data are needed to prove that conclusively. Therefore, this variant has been classified as Likely Pathogenic. Algorithms developed to predict the effect of sequence changes on RNA splicing suggest that this variant may disrupt the consensus splice site.

Literature cited by the submitters: PubMed 16199547 (cited by Labcorp Genetics (formerly Invitae), Labcorp); PubMed 19646678 (cited by Labcorp Genetics (formerly Invitae), Labcorp); PubMed 24126608 (cited by Labcorp Genetics (formerly Invitae), Labcorp); PubMed 27281532 (cited by Labcorp Genetics (formerly Invitae), Labcorp).